The following is an entry in ClinVar:

ClinVar aggregate classification (germline): Pathogenic. Review status: criteria provided, multiple submitters, no conflicts (2 of 4 stars). 2 submissions from 2 submitters: Pathogenic (2). Last evaluated 2026-01-12.

Conditions:
Hepatic methionine adenosyltransferase deficiency. Also called: MAT I/III DEFICIENCY; Deficiency of methionine adenosyltransferase; Isolated Persistent Hypermethioninemia; Methionine adenosyltransferase deficiency. Identifiers: Orphanet 168598, MedGen C0268621, MeSH C564683, MONDO:0009607, OMIM 250850.

Allele frequency attached by ClinVar (database versions not stated): gnomAD 0.00001.
gnomAD v4.1: 2 of 1,614,026 alleles (0.00012%); highest among the groups gnomAD compares: East Asian, 0.0022%; no homozygotes.

Submissions (2):

Labcorp Genetics (formerly Invitae), Labcorp
Classification: Pathogenic for Hepatic methionine adenosyltransferase deficiency. Last evaluated: 2026-01-12. Review status: criteria provided, single submitter. Criteria: Invitae Variant Classification Sherloc (09022015). Collection method: clinical testing. Allele origin: germline.
Comment: This sequence change replaces isoleucine, which is neutral and non-polar, with valine, which is neutral and non-polar, at codon 322 of the MAT1A protein (p.Ile322Val). This variant is not present in population databases (gnomAD no frequency). This missense change has been observed in individual(s) with autosomal recessive hypermethioninemia (PMID: 20675163, 36704196). ClinVar contains an entry for this variant (Variation ID: 2735423). Invitae Evidence Modeling of protein sequence and biophysical properties (such as structural, functional, and spatial information, amino acid conservation, physicochemical variation, residue mobility, and thermodynamic stability) indicates that this missense variant is expected to disrupt MAT1A protein function with a positive predictive value of 80%. Experimental studies have shown that this missense change affects MAT1A function (PMID: 20675163). This variant disrupts the p.Ile322 amino acid residue in MAT1A. Other variant(s) that disrupt this residue have been determined to be pathogenic (PMID: 7560086, 10677294, 20675163). This suggests that this residue is clinically significant, and that variants that disrupt this residue are likely to be disease-causing. For these reasons, this variant has been classified as Pathogenic.

Women's Health and Genetics/Laboratory Corporation of America, LabCorp
Classification: Pathogenic for Hepatic methionine adenosyltransferase deficiency. Last evaluated: 2025-06-25. Review status: criteria provided, single submitter. Criteria: LabCorp Variant Classification Summary - May 2015. Collection method: clinical testing. Allele origin: germline.
Comment: Variant summary: MAT1A c.964A>G (p.Ile322Val) results in a conservative amino acid change in the encoded protein sequence. Algorithms developed to predict the effect of missense changes on protein structure and function are either unavailable or do not agree on the potential impact of this missense change. The variant was absent in 251416 control chromosomes. c.964A>G has been observed in individual(s) affected with Hepatic methionine adenosyltransferase deficiency (examples: Tong_2023, Chien_2015). At least one publication reports experimental evidence that this variant change affects of MAT1A function (Fernandez-Irigoyen_2010). Other variant(s) that disrupt this residue have been determined to be pathogenic (example: p.Ile322Met). The following publications have been ascertained in the context of this evaluation (PMID: 26289392, 20675163, 36704196). ClinVar contains an entry for this variant (Variation ID: 2735423). Based on the evidence outlined above, the variant was classified as pathogenic.

Literature cited by the submitters: PubMed 20675163 (cited by Labcorp Genetics (formerly Invitae), Labcorp and Women's Health and Genetics/Laboratory Corporation of America, LabCorp); PubMed 36704196 (cited by Labcorp Genetics (formerly Invitae), Labcorp and Women's Health and Genetics/Laboratory Corporation of America, LabCorp); PubMed 7560086 (cited by Labcorp Genetics (formerly Invitae), Labcorp); PubMed 10677294 (cited by Labcorp Genetics (formerly Invitae), Labcorp); PubMed 26289392 (cited by Women's Health and Genetics/Laboratory Corporation of America, LabCorp).

NM_000429.3(MAT1A):c.964A>G (p.Ile322Val)

Gene: MAT1A (methionine adenosyltransferase 1A; minus strand). Cytogenetic location: 10q22.3.
Variant type: single nucleotide variant.
Coding change: c.964A>G on transcript NM_000429.3 (MANE Select); coding-DNA position 964, A replaced by G.
Protein change: p.Ile322Val; replaces isoleucine 322 with valine.
Molecular consequence: missense variant.
Genome position (GRCh38, 1-based): chr10:80,274,641, T>C on the plus strand (A>G on the coding strand, the complement: MAT1A is on the minus strand). VCF-style: chr10-80274641-T-C. GRCh37 (hg19) VCF-style: chr10-82034397-T-C.
Other names: short protein forms I322V.
Identifiers: ClinVar variation 2735423 (VCV002735423.4), dbSNP rs1057517759, ClinGen allele CA377360502.